The following is an entry in ClinVar:

NM_016616.5(NME8):c.565A>G (p.Lys189Glu)

Gene: NME8 (NME/NM23 family member 8; plus strand). Cytogenetic location: 7p14.1.
Variant type: single nucleotide variant.
Coding change: c.565A>G on transcript NM_016616.5 (MANE Select); coding-DNA position 565, A replaced by G.
Protein change: p.Lys189Glu; replaces lysine 189 with glutamic acid.
Molecular consequence: missense variant.
Genome position (GRCh38, 1-based): chr7:37,865,561, A>G. VCF-style: chr7-37865561-A-G. GRCh37 (hg19) VCF-style: chr7-37905163-A-G.
Other names: short protein forms K189E.
Identifiers: ClinVar variation 2722758 (VCV002722758.3), dbSNP rs777026385, ClinGen allele CA4222267.

ClinVar aggregate classification (germline): Uncertain significance (1 of 4 stars; one submission).

Conditions:
Primary ciliary dyskinesia 6. Also called: Primary Ciliary Dyskinesia 6: TXNDC3-Related Primary Ciliary Dyskinesia. Identifiers: Orphanet 244, MedGen C1970506, MONDO:0012571, OMIM 610852.

Allele frequency attached by ClinVar (database versions not stated): gnomAD 0.00003; TOPMed 0.00003; gnomAD exomes 0.00004; ExAC 0.00007.
gnomAD v4.1: 61 of 1,613,198 alleles (0.0038%); highest among the groups gnomAD compares: South Asian, 0.0022%; no homozygotes.

Submission:

Labcorp Genetics (formerly Invitae), Labcorp
Classification: Uncertain significance for Primary ciliary dyskinesia 6. Last evaluated: 2024-04-15. Review status: criteria provided, single submitter. Criteria: Invitae Variant Classification Sherloc (09022015). Collection method: clinical testing. Allele origin: germline.
Comment: This sequence change replaces lysine, which is basic and polar, with glutamic acid, which is acidic and polar, at codon 189 of the NME8 protein (p.Lys189Glu). This variant is present in population databases (rs777026385, gnomAD 0.1%), and has an allele count higher than expected for a pathogenic variant. This variant has not been reported in the literature in individuals affected with NME8-related conditions. Advanced modeling of protein sequence and biophysical properties (such as structural, functional, and spatial information, amino acid conservation, physicochemical variation, residue mobility, and thermodynamic stability) performed at Invitae indicates that this missense variant is not expected to disrupt NME8 protein function with a negative predictive value of 80%. In summary, the available evidence is currently insufficient to determine the role of this variant in disease. Therefore, it has been classified as a Variant of Uncertain Significance.